The following is an entry in ClinVar:

ClinVar aggregate classification (germline): Uncertain significance (1 of 4 stars; one submission).

Conditions:
Familial hypobetalipoproteinemia 1. Also called: APOB-Related Familial Hypobetalipoproteinemia; Hypobetalipoproteinemia, normotriglyceridemic; Acanthocytosis with hypobetalipoproteinemia. Identifiers: MedGen C4551990, MONDO:0014252, OMIM 615558.
Hypercholesterolemia, autosomal dominant, type B (FHCL2). Also called: Familial Hypercholesterolemia Type B; APOLIPOPROTEIN B-100, FAMILIAL DEFECTIVE; APOLIPOPROTEIN B-100, FAMILIAL LIGAND-DEFECTIVE; HYPERCHOLESTEROLEMIA, FAMILIAL, DUE TO LIGAND-DEFECTIVE APOLIPOPROTEIN B; Hyperlipoproteinemia Type IIb; Familial hypercholesterolemia 2. Identifiers: MedGen C1704417, MONDO:0007751, OMIM 144010.

Submission:

Labcorp Genetics (formerly Invitae), Labcorp
Classification: Uncertain significance for Familial hypobetalipoproteinemia 1; Hypercholesterolemia, autosomal dominant, type B. Last evaluated: 2022-12-25. Review status: criteria provided, single submitter. Criteria: Invitae Variant Classification Sherloc (09022015). Collection method: clinical testing. Allele origin: germline.
Comment: In summary, the available evidence is currently insufficient to determine the role of this variant in disease. Therefore, it has been classified as a Variant of Uncertain Significance. Advanced modeling of protein sequence and biophysical properties (such as structural, functional, and spatial information, amino acid conservation, physicochemical variation, residue mobility, and thermodynamic stability) performed at Invitae indicates that this missense variant is not expected to disrupt APOB protein function. This variant has not been reported in the literature in individuals affected with APOB-related conditions. This variant is not present in population databases (gnomAD no frequency). This sequence change replaces lysine, which is basic and polar, with glutamic acid, which is acidic and polar, at codon 1858 of the APOB protein (p.Lys1858Glu).

NM_000384.3(APOB):c.5572A>G (p.Lys1858Glu)

Gene: APOB (apolipoprotein B; minus strand). Cytogenetic location: 2p24.1.
Variant type: single nucleotide variant.
Coding change: c.5572A>G on transcript NM_000384.3 (MANE Select); coding-DNA position 5572, A replaced by G.
Protein change: p.Lys1858Glu; replaces lysine 1858 with glutamic acid.
Molecular consequence: missense variant.
Genome position (GRCh38, 1-based): chr2:21,011,296, T>C on the plus strand (A>G on the coding strand, the complement: APOB is on the minus strand). VCF-style: chr2-21011296-T-C. GRCh37 (hg19) VCF-style: chr2-21234168-T-C.
Other names: short protein forms K1858E.
Identifiers: ClinVar variation 2941618 (VCV002941618.3), dbSNP rs2465374376, ClinGen allele CA346004437.